The following is an entry in ClinVar:

NM_017617.5(NOTCH1):c.2970-9C>T

Gene: NOTCH1 (notch receptor 1; minus strand). Cytogenetic location: 9q34.3.
Variant type: single nucleotide variant.
Coding change: c.2970-9C>T on transcript NM_017617.5 (MANE Select); 9 bases into the intron before coding-DNA position 2970, C replaced by T.
Molecular consequence: intron variant.
Genome position (GRCh38, 1-based): chr9:136,509,080, G>A on the plus strand (C>T on the coding strand, the complement: NOTCH1 is on the minus strand). VCF-style: chr9-136509080-G-A. GRCh37 (hg19) VCF-style: chr9-139403532-G-A.
Other names: c.2970-9C>T (NM_017617.4, LRG_1122t1).
Identifiers: ClinVar variation 477908 (VCV000477908.22), dbSNP rs568052902, ClinGen allele CA5341077.

ClinVar aggregate classification (germline): Benign/Likely benign. Review status: criteria provided, multiple submitters, no conflicts (2 of 4 stars). 10 submissions from 9 submitters: Benign (3); Likely benign (4). 3 of the submissions do not count toward it. Last evaluated 2026-02-01.

Conditions:
NOTCH1-related disorder. Also called: NOTCH1-related condition; NOTCH1-related disorders.
Connective tissue disorder. Also called: Connective tissue disease. Identifiers: MedGen C0009782, MONDO:0003900.
Aortic valve disease 1 (AOVD1). Identifiers: MedGen C3887892, MONDO:0024523, OMIM 109730.
Adams-Oliver syndrome 5 (AOS5). Identifiers: Orphanet 974, MedGen C4014970, MONDO:0014459, OMIM 616028.

Allele frequency attached by ClinVar (database versions not stated): gnomAD exomes 0.00011 and 0.00017; gnomAD 0.00014 and 0.00021; ExAC 0.00021; TOPMed 0.00024.
gnomAD v4.1: 269 of 1,553,334 alleles (0.017%); highest among the groups gnomAD compares: Non-Finnish European, 0.022%; no homozygotes.

Submissions (10):

Labcorp Genetics (formerly Invitae), Labcorp
Classification: Likely benign for Adams-Oliver syndrome 5. Last evaluated: 2026-02-01. Review status: criteria provided, single submitter. Criteria: Invitae Variant Classification Sherloc (09022015). Collection method: clinical testing. Allele origin: germline.

Blueprint Genetics
Classification: Likely benign. Last evaluated: 2024-07-17. Review status: criteria provided, single submitter. Criteria: ACMG Guidelines, 2015. Collection method: clinical testing. Allele origin: germline.

Women's Health and Genetics/Laboratory Corporation of America, LabCorp
Classification: Benign. Last evaluated: 2023-12-26. Review status: criteria provided, single submitter. Criteria: LabCorp Variant Classification Summary - May 2015. Collection method: clinical testing. Allele origin: germline.

Genome-Nilou Lab
Classification: Benign for Adams-Oliver syndrome 5. Last evaluated: 2022-03-15. Review status: criteria provided, single submitter. Criteria: ACMG Guidelines, 2015. Collection method: clinical testing. Allele origin: germline. Affected: no.

Genome-Nilou Lab
Classification: Benign for Aortic valve disease 1. Last evaluated: 2022-03-15. Review status: criteria provided, single submitter. Criteria: ACMG Guidelines, 2015. Collection method: clinical testing. Allele origin: germline. Affected: no.

GeneDx
Classification: Likely benign. Last evaluated: 2021-01-12. Review status: criteria provided, single submitter. Criteria: GeneDx Variant Classification Process June 2021. Collection method: clinical testing. Allele origin: germline. Affected: yes.

Center for Human Genetics, Inc
Classification: Likely benign for Connective tissue disorder. Last evaluated: 2016-11-01. Review status: criteria provided, single submitter. Criteria: ACMG Guidelines, 2015. Collection method: clinical testing. Allele origin: germline. Affected: yes.

PreventionGenetics, part of Exact Sciences
Classification: Likely benign for NOTCH1-related condition. Last evaluated: 2020-12-31. Review status: no assertion criteria provided. Collection method: clinical testing. Allele origin: germline. Not counted in ClinVar's aggregate classification.
Comment: This variant is classified as likely benign based on ACMG/AMP sequence variant interpretation guidelines (Richards et al. 2015 PMID: 25741868, with internal and published modifications).

Genome Diagnostics Laboratory, Amsterdam University Medical Center
Classification: Likely benign. Review status: no assertion criteria provided. Collection method: clinical testing. Allele origin: germline. Affected: yes. Study: VKGL Data-share Consensus. Not counted in ClinVar's aggregate classification.

Genome Diagnostics Laboratory, University Medical Center Utrecht
Classification: Likely benign. Review status: no assertion criteria provided. Collection method: clinical testing. Allele origin: germline. Affected: yes. Study: VKGL Data-share Consensus. Not counted in ClinVar's aggregate classification.